The following is an entry in ClinVar:

NM_031407.7(HUWE1):c.4082GAG[1] (p.Gly1362del)

Gene: HUWE1 (HECT, UBA and WWE domain containing E3 ubiquitin protein ligase 1; minus strand). Cytogenetic location: Xp11.22.
Variant type: Microsatellite.
Coding change: c.4082GAG[1] on transcript NM_031407.7 (MANE Select); one copy of the 3-base unit GAG starting at c.4082; the reference has two copies in a row; one copy, 3 bases deleted.
Protein change: p.Gly1362del; deletes glycine 1362.
Molecular consequence: inframe deletion.
Genome position (GRCh38, 1-based): chrX:53,591,008-53,591,010, CTC deleted on the plus strand (GAG on the coding strand, the reverse complement: HUWE1 is on the minus strand); deleting any 3 consecutive bases within chrX:53,591,008-53,591,014 gives the same sequence; the position shown is the placement nearest the transcript's 3' end. VCF-style (leftmost placement, unchanged base first): chrX-53591007-ACTC-A. GRCh37 (hg19) VCF-style: chrX-53617967-ACTC-A.
Other names: short protein forms G1362del.
Identifiers: ClinVar variation 2663087 (VCV002663087.1), dbSNP rs2525998716, ClinGen allele CA2693818003.

ClinVar aggregate classification (germline): Uncertain significance (1 of 4 stars; one submission).

Submission:

GeneDx
Classification: Uncertain significance. Last evaluated: 2023-05-02. Review status: criteria provided, single submitter. Criteria: GeneDx Variant Classification Process June 2021. Collection method: clinical testing. Allele origin: germline. Affected: yes.
Comment: Not observed at significant frequency in large population cohorts (gnomAD); In-frame deletion of 1 amino acid in a non-repeat region; In silico analysis supports a deleterious effect on protein structure/function; Has not been previously published as pathogenic or benign to our knowledge